The following is an entry in ClinVar:

NM_000373.4(UMPS):c.*3494G>A

Gene: UMPS (uridine monophosphate synthetase; plus strand). Cytogenetic location: 3q21.2.
Variant type: single nucleotide variant.
Coding change: c.*3494G>A on transcript NM_000373.4 (MANE Select); 3494 bases downstream of the stop codon, G replaced by A.
Molecular consequence: 3 prime UTR variant. On other transcripts: non-coding transcript variant (2).
Genome position (GRCh38, 1-based): chr3:124,747,578, G>A. VCF-style: chr3-124747578-G-A. GRCh37 (hg19) VCF-style: chr3-124466425-G-A.
Identifiers: ClinVar variation 900149 (VCV000900149.4), dbSNP rs575063959, ClinGen allele CA2582121.

ClinVar aggregate classification (germline): Likely benign (1 of 4 stars; one submission).

Conditions:
Oroticaciduria. Also called: Orotic aciduria. Identifiers: Orphanet 30, MedGen C0268128, HP:0003218.

Allele frequency attached by ClinVar (database versions not stated): gnomAD 0.00041 and 0.00011; 1000 Genomes Project 30x 0.00141; gnomAD exomes 0.00218 and 0.00190; 1000 Genomes Project 0.00140; TOPMed 0.00011; ExAC 0.00642.
gnomAD v4.1: 700 of 452,904 alleles (0.15%); highest among the groups gnomAD compares: South Asian, 1%; 22 homozygotes.

Submission:

Illumina Laboratory Services, Illumina
Classification: Likely benign for Hereditary orotic aciduria. Last evaluated: 2018-01-13. Review status: criteria provided, single submitter. Criteria: ICSL Variant Classification Criteria 13 December 2019. Collection method: clinical testing. Allele origin: germline.
Comment: This variant was observed in the ICSL laboratory as part of a predisposition screen in an ostensibly healthy population. It had not been previously curated by ICSL or reported in the Human Gene Mutation Database (HGMD: prior to June 1st, 2018), and was therefore a candidate for classification through an automated scoring system. Utilizing variant allele frequency, disease prevalence and penetrance estimates, and inheritance mode, an automated score was calculated to assess if this variant is too frequent to cause the disease. Based on the score and internal cut-off values, a variant classified as likely benign is not then subjected to further curation. The score for this variant resulted in a classification of likely benign for this disease.